The following is an entry in ClinVar:

NM_001330288.2(SMARCC2):c.355C>T (p.Arg119Cys)

Gene: SMARCC2 (SWI/SNF related BAF chromatin remodeling complex subunit C2; minus strand). Cytogenetic location: 12q13.2.
Variant type: single nucleotide variant.
Coding change: c.355C>T on transcript NM_001330288.2 (MANE Select); coding-DNA position 355, C replaced by T.
Protein change: p.Arg119Cys; replaces arginine 119 with cysteine.
Molecular consequence: missense variant.
Genome position (GRCh38, 1-based): chr12:56,185,074, G>A on the plus strand (C>T on the coding strand, the complement: SMARCC2 is on the minus strand). VCF-style: chr12-56185074-G-A. GRCh37 (hg19) VCF-style: chr12-56578858-G-A.
Other names: c.355C>T, p.Arg119Cys (NM_001130420.3, NM_003075.5, NM_139067.4); short protein forms R119C.
Identifiers: ClinVar variation 2502459 (VCV002502459.1), dbSNP rs777660250, ClinGen allele CA6626420.

ClinVar aggregate classification (germline): Uncertain significance (1 of 4 stars; one submission).

Allele frequency attached by ClinVar (database versions not stated): TOPMed below 0.00001; ExAC 0.00001; gnomAD 0.00001; gnomAD exomes 0.00001.
gnomAD v4.1: 13 of 1,613,948 alleles (0.00081%); highest among the groups gnomAD compares: East Asian, 0.0022%; no homozygotes.

Submission:

GeneDx
Classification: Uncertain significance. Last evaluated: 2022-11-15. Review status: criteria provided, single submitter. Criteria: GeneDx Variant Classification Process June 2021. Collection method: clinical testing. Allele origin: germline. Affected: yes.
Comment: Not observed at significant frequency in large population cohorts (gnomAD); In silico analysis supports that this missense variant has a deleterious effect on protein structure/function; Has not been previously published as pathogenic or benign to our knowledge